The following is an entry in ClinVar:

NM_020708.5(SLC12A5):c.1636G>C (p.Glu546Gln)

Gene: SLC12A5 (solute carrier family 12 member 5; plus strand). Cytogenetic location: 20q13.12.
Variant type: single nucleotide variant.
Coding change: c.1636G>C on transcript NM_020708.5 (MANE Select); coding-DNA position 1636, G replaced by C.
Protein change: p.Glu546Gln; replaces glutamic acid 546 with glutamine.
Molecular consequence: missense variant.
Genome position (GRCh38, 1-based): chr20:46,045,944, G>C. VCF-style: chr20-46045944-G-C. GRCh37 (hg19) VCF-style: chr20-44674583-G-C.
Other names: c.1705G>C, p.Glu569Gln (NM_001134771.2); short protein forms E546Q, E569Q.
Identifiers: ClinVar variation 1516949 (VCV001516949.6), dbSNP rs1364136088, ClinGen allele CA409196260.

ClinVar aggregate classification (germline): Uncertain significance (1 of 4 stars; one submission).

Conditions:
Developmental and epileptic encephalopathy, 34 (DEE34). Also called: SLC12A5-Related Epilepsy of Infancy with Migrating Focal Seizures; Early infantile epileptic encephalopathy 34. Identifiers: Orphanet 293181, MedGen C4225257, MONDO:0014718, OMIM 616645.

Allele frequency attached by ClinVar (database versions not stated): gnomAD exomes below 0.00001 and 0.00001; gnomAD 0.00001.
gnomAD v4.1: 11 of 1,614,010 alleles (0.00068%); highest among the groups gnomAD compares: Non-Finnish European, 0.00093%; no homozygotes.

Submission:

Labcorp Genetics (formerly Invitae), Labcorp
Classification: Uncertain significance for Developmental and epileptic encephalopathy, 34. Last evaluated: 2021-09-02. Review status: criteria provided, single submitter. Criteria: Invitae Variant Classification Sherloc (09022015). Collection method: clinical testing. Allele origin: germline.
Comment: This sequence change replaces glutamic acid with glutamine at codon 546 of the SLC12A5 protein (p.Glu546Gln). The glutamic acid residue is moderately conserved and there is a small physicochemical difference between glutamic acid and glutamine. This variant is not present in population databases (ExAC no frequency). This variant has not been reported in the literature in individuals affected with SLC12A5-related conditions. Advanced modeling of protein sequence and biophysical properties (such as structural, functional, and spatial information, amino acid conservation, physicochemical variation, residue mobility, and thermodynamic stability) performed at Invitae indicates that this missense variant is not expected to disrupt SLC12A5 protein function. Algorithms developed to predict the effect of sequence changes on RNA splicing suggest that this variant may create or strengthen a splice site. In summary, the available evidence is currently insufficient to determine the role of this variant in disease. Therefore, it has been classified as a Variant of Uncertain Significance.